The following is an entry in ClinVar:

NM_002691.4(POLD1):c.3235T>C (p.Phe1079Leu)

Gene: POLD1 (DNA polymerase delta 1, catalytic subunit; plus strand). Cytogenetic location: 19q13.33.
Variant type: single nucleotide variant.
Coding change: c.3235T>C on transcript NM_002691.4 (MANE Select); coding-DNA position 3235, T replaced by C.
Protein change: p.Phe1079Leu; replaces phenylalanine 1079 with leucine.
Molecular consequence: missense variant. On other transcripts: non-coding transcript variant (1).
Genome position (GRCh38, 1-based): chr19:50,417,858, T>C. VCF-style: chr19-50417858-T-C. GRCh37 (hg19) VCF-style: chr19-50921115-T-C.
Other names: c.3235T>C, p.Phe1079Leu (NM_001256849.1); c.3313T>C, p.Phe1105Leu (NM_001308632.1); short protein forms F1079L, F1105L.
Identifiers: ClinVar variation 1473933 (VCV001473933.6), dbSNP rs2122521444, ClinGen allele CA406987713.

ClinVar aggregate classification (germline): Uncertain significance (1 of 4 stars; one submission).

Conditions:
POLD1-related polyposis and colorectal cancer syndrome (CRCS10). Also called: Colorectal cancer 10; COLORECTAL CANCER, SUSCEPTIBILITY TO, ON CHROMOSOME 19q; Colorectal cancer, susceptibility to, 10. Identifiers: Orphanet 220460, MedGen C2675481, MONDO:0012953, OMIM 612591.

Submission:

Labcorp Genetics (formerly Invitae), Labcorp
Classification: Uncertain significance for POLD1-related polyposis and colorectal cancer syndrome. Last evaluated: 2021-09-09. Review status: criteria provided, single submitter. Criteria: Invitae Variant Classification Sherloc (09022015). Collection method: clinical testing. Allele origin: germline.
Comment: This sequence change replaces phenylalanine with leucine at codon 1079 of the POLD1 protein (p.Phe1079Leu). The phenylalanine residue is moderately conserved and there is a small physicochemical difference between phenylalanine and leucine. This variant is not present in population databases (ExAC no frequency). This variant has not been reported in the literature in individuals affected with POLD1-related conditions. Algorithms developed to predict the effect of missense changes on protein structure and function are either unavailable or do not agree on the potential impact of this missense change (SIFT: "Deleterious"; PolyPhen-2: "Probably Damaging"; Align-GVGD: "Class C0"). In summary, the available evidence is currently insufficient to determine the role of this variant in disease. Therefore, it has been classified as a Variant of Uncertain Significance.